The following is an entry in ClinVar:

NM_003060.4(SLC22A5):c.852C>T (p.Leu284=)

Gene: SLC22A5 (solute carrier family 22 member 5; plus strand). Cytogenetic location: 5q31.1.
Variant type: single nucleotide variant.
Coding change: c.852C>T on transcript NM_003060.4 (MANE Select); coding-DNA position 852, C replaced by T.
Protein change: p.Leu284=; no amino-acid change (leucine 284 retained).
Molecular consequence: synonymous variant.
Genome position (GRCh38, 1-based): chr5:132,387,052, C>T. VCF-style: chr5-132387052-C-T. GRCh37 (hg19) VCF-style: chr5-131722744-C-T.
Other names: p.Leu284=; c.924C>T, p.Leu308= (NM_001308122.2).
Identifiers: ClinVar variation 390633 (VCV000390633.56), dbSNP rs146185976, ClinGen allele CA3404001.

ClinVar aggregate classification (germline): Conflicting classifications of pathogenicity. Review status: criteria provided, conflicting classifications (1 of 4 stars). 8 submissions from 8 submitters: Uncertain significance (3); Likely benign (5). Last evaluated 2026-02-01.

Conditions:
Renal carnitine transport defect (CDSP). Also called: Primary carnitine deficiency; Systemic primary carnitine deficiency; Carnitine Deficiency, Systemic; Systemic primary carnitine deficiency disease; CARNITINE DEFICIENCY, SYSTEMIC, DUE TO DEFECT IN RENAL REABSORPTION OF CARNITINE; CARNITINE TRANSPORTER, PLASMA-MEMBRANE, DEFICIENCY OF. Identifiers: Orphanet 158, MedGen C0342788, MONDO:0008919, OMIM 212140.
SLC22A5-related disorder. Also called: SLC22A5-related condition.

Allele frequency attached by ClinVar (database versions not stated): gnomAD 0.00016 and 0.00017; ExAC 0.00021; gnomAD exomes 0.00021 and 0.00032; TOPMed 0.00022; ESP Exome Variant Server 0.00069.
gnomAD v4.1: 480 of 1,614,012 alleles (0.03%); highest among the groups gnomAD compares: Non-Finnish European, 0.039%; no homozygotes.

Submissions (8):

Labcorp Genetics (formerly Invitae), Labcorp
Classification: Likely benign for Renal carnitine transport defect. Last evaluated: 2026-02-01. Review status: criteria provided, single submitter. Criteria: Invitae Variant Classification Sherloc (09022015). Collection method: clinical testing. Allele origin: germline.

GeneDx
Classification: Uncertain significance. Last evaluated: 2026-01-06. Review status: criteria provided, single submitter. Criteria: GeneDx Variant Classification Process June 2021. Collection method: clinical testing. Allele origin: germline. Affected: yes.
Comment: In silico analysis supports a deleterious effect on splicing; Has not been previously published as pathogenic or benign to our knowledge

PreventionGenetics, part of Exact Sciences
Classification: Likely benign for SLC22A5-related condition. Last evaluated: 2025-06-11. Review status: criteria provided, single submitter. Criteria: ACMG Guidelines, 2015. Collection method: clinical testing. Allele origin: germline.
Comment: This variant is classified as likely benign based on ACMG/AMP sequence variant interpretation guidelines (Richards et al. 2015 PMID: 25741868, with internal and published modifications).

Blueprint Genetics
Classification: Likely benign. Last evaluated: 2024-10-02. Review status: criteria provided, single submitter. Criteria: ACMG Guidelines, 2015. Collection method: clinical testing. Allele origin: germline.

Mayo Clinic Laboratories, Mayo Clinic
Classification: Uncertain significance. Last evaluated: 2024-03-12. Review status: criteria provided, single submitter. Criteria: ACMG Guidelines, 2015. Collection method: clinical testing. Allele origin: germline. Observed: 3 variant alleles.

CeGaT Center for Human Genetics Tuebingen
Classification: Likely benign. Last evaluated: 2022-01-01. Review status: criteria provided, single submitter. Criteria: CeGaT Center For Human Genetics Tuebingen Variant Classification Criteria Version 2. Collection method: clinical testing. Allele origin: germline. Affected: yes. Observed: 1 variant allele.

Genome-Nilou Lab
Classification: Likely benign for Renal carnitine transport defect. Last evaluated: 2021-07-15. Review status: criteria provided, single submitter. Criteria: ACMG Guidelines, 2015. Collection method: clinical testing. Allele origin: germline. Affected: no.

Illumina Laboratory Services, Illumina
Classification: Uncertain significance for Renal carnitine transport defect. Last evaluated: 2018-01-13. Review status: criteria provided, single submitter. Criteria: ICSL Variant Classification Criteria 13 December 2019. Collection method: clinical testing. Allele origin: germline.